The following is an entry in ClinVar:

ClinVar aggregate classification (germline): Benign/Likely benign. Review status: criteria provided, multiple submitters, no conflicts (2 of 4 stars). 2 submissions from 2 submitters: Benign (1); Likely benign (1). Last evaluated 2026-01-21.

Conditions:
Arrhythmogenic right ventricular dysplasia 9 (ARVD9). Also called: ARRHYTHMOGENIC RIGHT VENTRICULAR DYSPLASIA, FAMILIAL, 9; Arrhythmogenic Right Ventricular Dysplasia/Cardiomyopathy 9. Identifiers: MedGen C1836906, MONDO:0012180, OMIM 609040.

Allele frequency attached by ClinVar (database versions not stated): gnomAD exomes 0.00002; ExAC 0.00003; TOPMed 0.00010; gnomAD 0.00011 and 0.00014; ESP Exome Variant Server 0.00023.
gnomAD v4.1: 27 of 1,601,180 alleles (0.0017%); highest among the groups gnomAD compares: African/African-American, 0.032%; no homozygotes.

Submissions (2):

Labcorp Genetics (formerly Invitae), Labcorp
Classification: Likely benign for Arrhythmogenic right ventricular dysplasia 9. Last evaluated: 2026-01-21. Review status: criteria provided, single submitter. Criteria: Invitae Variant Classification Sherloc (09022015). Collection method: clinical testing. Allele origin: germline.

GeneDx
Classification: Benign. Last evaluated: 2014-09-02. Review status: criteria provided, single submitter. Criteria: GeneDx Variant Classification (06012015). Collection method: clinical testing. Allele origin: germline. Affected: yes.
Comment: This variant is considered likely benign or benign based on one or more of the following criteria: it is a conservative change, it occurs at a poorly conserved position in the protein, it is predicted to be benign by multiple in silico algorithms, and/or has population frequency not consistent with disease.

NM_001005242.3(PKP2):c.1171-17A>G

Gene: PKP2 (plakophilin 2; minus strand). Cytogenetic location: 12p11.21.
Variant type: single nucleotide variant.
Coding change: c.1171-17A>G on transcript NM_001005242.3 (MANE Select); 17 bases into the intron before coding-DNA position 1171, A replaced by G.
Molecular consequence: intron variant.
Genome position (GRCh38, 1-based): chr12:32,850,990, T>C on the plus strand (A>G on the coding strand, the complement: PKP2 is on the minus strand). VCF-style: chr12-32850990-T-C. GRCh37 (hg19) VCF-style: chr12-33003924-T-C.
Other names: c.1171-17A>G (NM_004572.4).
Identifiers: ClinVar variation 201964 (VCV000201964.8), dbSNP rs372942306, ClinGen allele CA010878.